The following is an entry in ClinVar:

NM_000214.3(JAG1):c.416G>C (p.Trp139Ser)

Gene: JAG1 (jagged canonical Notch ligand 1; minus strand). Cytogenetic location: 20p12.2.
Variant type: single nucleotide variant.
Coding change: c.416G>C on transcript NM_000214.3 (MANE Select); coding-DNA position 416, G replaced by C.
Protein change: p.Trp139Ser; replaces tryptophan 139 with serine.
Molecular consequence: missense variant.
Genome position (GRCh38, 1-based): chr20:10,663,986, C>G on the plus strand (G>C on the coding strand, the complement: JAG1 is on the minus strand). VCF-style: chr20-10663986-C-G. GRCh37 (hg19) VCF-style: chr20-10644634-C-G.
Other names: short protein forms W139S.
Identifiers: ClinVar variation 3573035 (VCV003573035.2).

Conditions:
Arteriohepatic dysplasia. Also called: Alagille Syndrome. Identifiers: Orphanet 52, MedGen C0085280, MeSH D016738, MONDO:0007318.

Submission:

Gilbert/Spinner Lab, Children's Hospital of Philadelphia
No classification provided (evidence only). Condition: Alagille syndrome. Review status: no classification provided. Collection method: research. Allele origin: not applicable. Functional consequence: functionally_abnormal.
ClinVar note: "not provided" was previously submitted as the classification for the variant. However, the classification appeared to be based only on an observation of functional data so it was converted to no classification on 2025-07-30.